The following is an entry in ClinVar:

NM_000128.4(F11):c.174_175dup (p.Phe59fs)

Gene: F11 (coagulation factor XI; plus strand). Cytogenetic location: 4q35.2.
Variant type: Microsatellite.
Coding change: c.174_175dup on transcript NM_000128.4 (MANE Select); coding-DNA positions 174 to 175, 2 bases duplicated (CT; older notation c.174_175dupCT).
Protein change: p.Phe59fs; shifts the reading frame from phenylalanine 59.
Molecular consequence: frameshift variant.
Genome position (GRCh38, 1-based): chr4:186,271,727-186,271,728, CT duplicated; duplicating any 2 consecutive bases within chr4:186,271,725-186,271,728 gives the same sequence; the c. name uses the placement nearest the transcript's 3' end. VCF-style (leftmost placement, unchanged base first): chr4-186271724-A-ACT. GRCh37 (hg19) VCF-style: chr4-187192878-A-ACT.
Other names: c.174_175dup, p.Phe59fs (NM_001354804.2); short protein forms F59fs.
Identifiers: ClinVar variation 1723919 (VCV001723919.2), dbSNP rs2477208862, ClinGen allele CA2580612753.
Genomic context (GRCh38, chr4:186,271,724, plus strand): 5'-GGTCTTCACACCAAGCGCCAAGTACTGCCAGGTAGTCTGCACTTACCACCCAAGATGTTT[A>ACT]CTCTTCACTTTCACGGCGGAATCACCATCTGAGGATCCCACCCGATGGTAAATGCTTATG-3'

ClinVar aggregate classification (germline): Likely pathogenic (1 of 4 stars; one submission).

Conditions:
Hereditary factor XI deficiency disease. Also called: Congenital factor XI deficiency; PLASMA THROMBOPLASTIN ANTECEDENT DEFICIENCY; PTA DEFICIENCY; ROSENTHAL SYNDROME. Identifiers: Orphanet 329, MedGen C0015523, MeSH D005173, MONDO:0012897, OMIM 612416.

Submission:

Myriad Genetics, Inc.
Classification: Likely pathogenic for Hereditary factor XI deficiency disease. Last evaluated: 2022-01-08. Review status: criteria provided, single submitter. Criteria: Myriad Women's Health Autosomal Recessive and X-Linked Classification Criteria (2021). Collection method: clinical testing. Allele origin: unknown.
Comment: NM_000128.3(F11):c.174_175dupCT(F59Sfs*21) is expected to be pathogenic in the context of factor XI deficiency. This variant is predicted to lead to an abnormal or absent protein product due to the creation of a premature termination codon in F11, a gene where loss-of-function variants are known to be pathogenic. Please note: this variant was assessed in the context of healthy population screening.